The following is an entry in ClinVar:

ClinVar aggregate classification (germline): Uncertain significance (1 of 4 stars; one submission).

Conditions:
PLXNA3-related disorder. Also called: PLXNA3-related condition.

gnomAD v4.1: 10 of 1,208,907 alleles (0.00083%); highest among the groups gnomAD compares: Non-Finnish European, 0.00078%; no homozygotes.

Submission:

PreventionGenetics, part of Exact Sciences
Classification: Uncertain significance for PLXNA3-related condition. Last evaluated: 2024-11-24. Review status: criteria provided, single submitter. Criteria: ACMG Guidelines, 2015. Collection method: clinical testing. Allele origin: germline.
Comment: The PLXNA3 c.5261C>T variant is predicted to result in the amino acid substitution p.Thr1754Ile. To our knowledge, this variant has not been reported in the literature. This variant is reported in 0.0012% of alleles in individuals of European (Non-Finnish) descent in gnomAD. At this time, the clinical significance of this variant is uncertain due to the absence of conclusive functional and genetic evidence.

NM_017514.5(PLXNA3):c.5261C>T (p.Thr1754Ile)

Gene: PLXNA3 (plexin A3; plus strand). Cytogenetic location: Xq28.
Variant type: single nucleotide variant.
Coding change: c.5261C>T on transcript NM_017514.5 (MANE Select); coding-DNA position 5261, C replaced by T.
Protein change: p.Thr1754Ile; replaces threonine 1754 with isoleucine.
Molecular consequence: missense variant.
Genome position (GRCh38, 1-based): chrX:154,471,209, C>T. VCF-style: chrX-154471209-C-T. GRCh37 (hg19) VCF-style: chrX-153699552-C-T.
Other names: short protein forms T1754I.
Identifiers: ClinVar variation 4987583 (VCV004987583.1).
Genomic context (GRCh38, chrX:154,471,209, plus strand): 5'-TCGTGTTCGACATCCACAAGAACAGCATCACGGATGCCTGCCTGTCGGTGGTAGCCCAGA[C>T]CTTCATGGACTCCTGCTCTACATCCGAGCACCGCCTGGGGAAGGACTCGCCCTCCAACAA-3'
Protein context (NP_059984.3, residues 1744-1764): TDACLSVVAQ[Thr1754Ile]FMDSCSTSEH